The following is an entry in ClinVar:

NM_007194.4(CHEK2):c.1597A>G (p.Thr533Ala)

Gene: CHEK2 (checkpoint kinase 2; minus strand). Cytogenetic location: 22q12.1.
Variant type: single nucleotide variant.
Coding change: c.1597A>G on transcript NM_007194.4 (MANE Select); coding-DNA position 1597, A replaced by G.
Protein change: p.Thr533Ala; replaces threonine 533 with alanine.
Molecular consequence: missense variant.
Genome position (GRCh38, 1-based): chr22:28,687,932, T>C on the plus strand (A>G on the coding strand, the complement: CHEK2 is on the minus strand). VCF-style: chr22-28687932-T-C. GRCh37 (hg19) VCF-style: chr22-29083920-T-C.
Other names: p.Thr533Ala; c.1726A>G, p.Thr576Ala (NM_001005735.3); c.934A>G, p.Thr312Ala (NM_001257387.3); c.1396A>G, p.Thr466Ala (NM_001349956.3); c.1510A>G, p.Thr504Ala (NM_145862.3); short protein forms T533A, T466A, T312A, T504A, T576A.
Identifiers: ClinVar variation 142032 (VCV000142032.76), dbSNP rs562517792, ClinGen allele CA167185.

ClinVar aggregate classification (germline): Conflicting classifications of pathogenicity. Review status: criteria provided, conflicting classifications (1 of 4 stars). 14 submissions from 14 submitters: Uncertain significance (2); Benign (2); Likely benign (10). Last evaluated 2026-06-01.

Conditions:
CHEK2-related disorder.
Hereditary cancer-predisposing syndrome. Also called: Tumor predisposition; Hereditary neoplastic syndrome; Hereditary Cancer Syndrome; Neoplastic Syndromes, Hereditary. Identifiers: Orphanet 140162, MedGen C0027672, MeSH D009386, MONDO:0015356.
Hereditary breast ovarian cancer syndrome. Also called: Hereditary breast and ovarian cancer; Hereditary breast and/or ovarian cancer syndrome; BRCA1- and BRCA2-Associated Hereditary Breast and Ovarian Cancer; Hereditary breast and ovarian cancer syndrome (HBOC); Hereditary breast and ovarian cancer syndrome; Breast and ovarian cancer. Identifiers: Orphanet 145, MedGen C0677776, MeSH D061325, MONDO:0003582. Disease mechanism: loss of function.
CHEK2-related cancer predisposition (TPDS4). Also called: TUMOR PREDISPOSITION SYNDROME 4; CANCER PREDISPOSITION SYNDROME, CHEK2-RELATED; CHEK2-related cancer susceptibility. Identifiers: Orphanet 524, MedGen C5882668, MONDO:0700271, OMIM 609265.
Familial cancer of breast. Also called: Hereditary breast cancer; hereditary breast carcinoma; BREAST CANCER, FAMILIAL. Identifiers: Orphanet 227535, MedGen C0346153, MONDO:0016419, OMIM 114480. Disease mechanism: loss of function.

Allele frequency attached by ClinVar (database versions not stated): gnomAD exomes 0.00003 and 0.00014; gnomAD 0.00008 and 0.00012; TOPMed 0.00008; ExAC 0.00012; 1000 Genomes Project 0.00120; 1000 Genomes Project 30x 0.00141.
gnomAD v4.1: 71 of 1,596,430 alleles (0.0044%); highest among the groups gnomAD compares: East Asian, 0.14%; no homozygotes.

Submissions (14):

CeGaT Center for Human Genetics Tuebingen
Classification: Likely benign. Last evaluated: 2026-06-01. Review status: criteria provided, single submitter. Criteria: CeGaT Center For Human Genetics Tuebingen Variant Classification Criteria Version 2. Collection method: clinical testing. Allele origin: germline. Affected: yes. Observed: 2 variant alleles.
Comment: CHEK2: BP4, BS1

Women's Health and Genetics/Laboratory Corporation of America, LabCorp
Classification: Likely benign. Last evaluated: 2026-04-17. Review status: criteria provided, single submitter. Criteria: LabCorp Variant Classification Summary - May 2015. Collection method: clinical testing. Allele origin: germline.
Comment: Variant summary: CHEK2 c.1597A>G (p.Thr533Ala) results in a non-conservative amino acid change in the encoded protein sequence. Algorithms developed to predict the effect of missense changes on protein structure and function are either unavailable or do not agree on the potential impact of this missense change. The variant allele was found at a frequency of 0.00014 in 233692 control chromosomes, predominantly at a frequency of 0.0017 within the East Asian subpopulation in the gnomAD database. The observed variant frequency within East Asian control individuals in the gnomAD database exceeds the estimated maximal expected allele frequency for disease-causing variants in CHEK2. c.1597A>G has been observed in at least one individual affected with breast cancer (e.g. Xie_2017), but it has also been reported in healthy individuals (e.g. Takehara_2025). These reports do not provide unequivocal conclusions about association of the variant with Hereditary Breast And Ovarian Cancer Syndrome. Several publications report experimental evidence evaluating an impact on protein function (Wu_2003, Delimitsou_2019, Stolarova_2023), all of which showed no damaging effect of this variant by kinase activity or localization assays. The following publications have been ascertained in the context of this evaluation (PMID: 30851065, 37449874, 40893051, 26260725, 12855706, 28580595). ClinVar contains an entry for this variant (Variation ID: 142032). Based on the evidence outlined above, the variant was classified as likely benign.

Labcorp Genetics (formerly Invitae), Labcorp
Classification: Likely benign for Familial cancer of breast. Last evaluated: 2026-01-31. Review status: criteria provided, single submitter. Criteria: Invitae Variant Classification Sherloc (09022015). Collection method: clinical testing. Allele origin: germline.

PreventionGenetics, part of Exact Sciences
Classification: Likely benign for CHEK2-related condition. Last evaluated: 2026-01-10. Review status: criteria provided, single submitter. Criteria: ACMG Guidelines, 2015. Collection method: clinical testing. Allele origin: germline.
Comment: This variant is classified as likely benign based on ACMG/AMP sequence variant interpretation guidelines (Richards et al. 2015 PMID: 25741868, with internal and published modifications).

Center for Genomic Medicine, Rigshospitalet, Copenhagen University Hospital
Classification: Likely benign. Last evaluated: 2025-03-04. Review status: criteria provided, single submitter. Criteria: ACMG Guidelines, 2015. Collection method: clinical testing. Allele origin: germline.

Department of Pathology and Laboratory Medicine, Sinai Health System
Classification: Benign for CHEK2-related cancer predisposition. Last evaluated: 2024-05-21. Review status: criteria provided, single submitter. Criteria: ACMG Guidelines, 2015. Collection method: clinical testing. Allele origin: germline. Affected: yes.

German Consortium for Hereditary Breast and Ovarian Cancer, University Hospital Cologne
Classification: Benign for Hereditary breast ovarian cancer syndrome. Last evaluated: 2024-01-09. Review status: criteria provided, single submitter. Criteria: ACMG Guidelines, 2015. Collection method: curation. Allele origin: germline.
Comment: . According to the ACMG standard criteria we chose these criteria: BP4 (supporting benign): REVEL: 0.073, BS1 (strong benign): popmax:EAS popmax AF:0.00345888, BS3 (strong benign): Delimitsou (2019): benign in yeast, Stolarova (2023): benign in both assays in human cells

Mayo Clinic Laboratories, Mayo Clinic
Classification: Uncertain significance. Last evaluated: 2023-12-08. Review status: criteria provided, single submitter. Criteria: ACMG Guidelines, 2015. Collection method: clinical testing. Allele origin: germline. Observed: 1 variant allele.
Comment: BP4

Quest Diagnostics Nichols Institute San Juan Capistrano
Classification: Likely benign. Last evaluated: 2023-10-10. Review status: criteria provided, single submitter. Criteria: Quest Diagnostics criteria. Collection method: clinical testing. Allele origin: unknown.

Ambry Genetics
Classification: Likely benign for Hereditary cancer-predisposing syndrome. Last evaluated: 2022-05-11. Review status: criteria provided, single submitter. Criteria: Ambry Variant Classification Scheme 2023. Collection method: clinical testing. Allele origin: germline.

Sema4
Classification: Uncertain significance for Hereditary cancer-predisposing syndrome. Last evaluated: 2021-11-24. Review status: criteria provided, single submitter. Criteria: Sema4 Curation Guidelines. Collection method: curation. Allele origin: germline.
Comment: The CHEK2 c.1597A>G (p.T533A) variant has been reported in individuals with breast cancer and advanced cancer (PMID: 28580595, 29522266, 28873162). This variant was observed in 34/19558 chromosomes in the East Asian population, with no homozygotes, according to the Genome Aggregation Database (PMID: 32461654). The variant has been reported in ClinVar (Variation ID 142032). In silico predictions of the variant's effect on protein function are benign. Functional studies demonstrated the normal function of the protein (PMID: 12855706, 30851065). The overall evidence is insufficient to meet ACMG/AMP criteria for classifying it as benign or pathogenic. Thus, the clinical significance of this variant is currently uncertain.

GeneDx
Classification: Likely benign. Last evaluated: 2020-11-09. Review status: criteria provided, single submitter. Criteria: GeneDx Variant Classification Process June 2021. Collection method: clinical testing. Allele origin: germline. Affected: yes.
Comment: Not observed in large population cohorts (Lek et al., 2016); In silico analysis, which includes protein predictors and evolutionary conservation, supports that this variant does not alter protein structure/function; This variant is associated with the following publications: (PMID: 29522266, 26260725, 28873162, 12855706, 30851065, 28580595)

Cancer Genomics Group, Japanese Foundation For Cancer Research
Classification: Likely benign for Hereditary breast and ovarian cancer syndrome. Last evaluated: 2019-05-01. Review status: criteria provided, single submitter. Criteria: ACMG Guidelines, 2015. Collection method: research. Allele origin: germline. Affected: yes.

Color Diagnostics, LLC DBA Color Health
Classification: Likely benign for Hereditary cancer-predisposing syndrome. Last evaluated: 2016-10-07. Review status: criteria provided, single submitter. Criteria: ACMG Guidelines, 2015. Collection method: clinical testing. Allele origin: germline.

Literature cited by the submitters: PubMed 26260725 (cited by Women's Health and Genetics/Laboratory Corporation of America, LabCorp and Quest Diagnostics Nichols Institute San Juan Capistrano); PubMed 12855706 (cited by 4 submitters); PubMed 28580595 (cited by 3 submitters); PubMed 30851065 (cited by 6 submitters); PubMed 37449874 (cited by Women's Health and Genetics/Laboratory Corporation of America, LabCorp); PubMed 40893051 (cited by Women's Health and Genetics/Laboratory Corporation of America, LabCorp); PubMed 28873162 (cited by 3 submitters); PubMed 29522266 (cited by 5 submitters); PubMed 30287823 (cited by 3 submitters); PubMed 33471991 (cited by Department of Pathology and Laboratory Medicine, Sinai Health System and Quest Diagnostics Nichols Institute San Juan Capistrano); PubMed 33563768 (cited by Department of Pathology and Laboratory Medicine, Sinai Health System and Quest Diagnostics Nichols Institute San Juan Capistrano); PubMed 29703253 (cited by Quest Diagnostics Nichols Institute San Juan Capistrano and Ambry Genetics); PubMed 36243179 (cited by Quest Diagnostics Nichols Institute San Juan Capistrano).